The following is an entry in ClinVar:

NM_017802.4(DNAAF5):c.430dup (p.Ala144fs)

Genes: DNAAF5 (dynein axonemal assembly factor 5; plus strand), PRKAR1B (protein kinase cAMP-dependent type I regulatory subunit beta; minus strand). Cytogenetic location: 7p22.3.
Variant type: Duplication.
Coding change: c.430dup on transcript NM_017802.4 (MANE Select); coding-DNA position 430, one base duplicated (G; older notation c.430dupG).
Protein change: p.Ala144fs; shifts the reading frame from alanine 144.
Molecular consequence: frameshift variant. On other transcripts: non-coding transcript variant (1), intron variant (3).
Genome position (GRCh38, 1-based): chr7:727,150, G duplicated; the last of 2 consecutive G bases (chr7:727,149-727,150); duplicating either gives the same sequence. VCF-style (leftmost placement, unchanged base first): chr7-727148-T-TG. GRCh37 (hg19) VCF-style: chr7-766785-T-TG.
Other names: c.-23+506dup (NM_001164759.1); c.-23+441dup (NM_001164758.2); c.-23+61dup (NM_001164760.2); short protein forms A144fs.
Identifiers: ClinVar variation 4715390 (VCV004715390.1).
Genomic context (GRCh38, chr7:727,148, plus strand): 5'-CGCGCTTGGCCGGCCCCGTGCCCGCGCGCCGCCCGCCCGAGGCCTGTGAGGAGCTGCGCC[T>TG]GGCGCTTGTGCAGCTGCTGGGCCTGGCCGTGGACCTGTGCGGCGCCGCGCTCGCGCCCCA-3'

ClinVar aggregate classification (germline): Pathogenic (1 of 4 stars; one submission).

Conditions:
Primary ciliary dyskinesia. Also called: Ciliary dyskinesia. Identifiers: Orphanet 244, MedGen C0008780, MONDO:0016575, HP:0012265.

Submission:

Labcorp Genetics (formerly Invitae), Labcorp
Classification: Pathogenic for Primary ciliary dyskinesia. Last evaluated: 2025-03-18. Review status: criteria provided, single submitter. Criteria: Invitae Variant Classification Sherloc (09022015). Collection method: clinical testing. Allele origin: germline.
Comment: This sequence change creates a premature translational stop signal (p.Ala144Glyfs*86) in the DNAAF5 gene. It is expected to result in an absent or disrupted protein product. Loss-of-function variants in DNAAF5 are known to be pathogenic (PMID: 24307375, 25232951). This variant is not present in population databases (gnomAD no frequency). This variant has not been reported in the literature in individuals affected with DNAAF5-related conditions. For these reasons, this variant has been classified as Pathogenic.

Literature cited by the submitters: PubMed 24307375; PubMed 25232951.